The following is an entry in ClinVar:

NM_000053.4(ATP7B):c.2320A>G (p.Ile774Val)

Gene: ATP7B (ATPase copper transporting beta; minus strand). Cytogenetic location: 13q14.3.
Variant type: single nucleotide variant.
Coding change: c.2320A>G on transcript NM_000053.4 (MANE Select); coding-DNA position 2320, A replaced by G.
Protein change: p.Ile774Val; replaces isoleucine 774 with valine.
Molecular consequence: missense variant. On other transcripts: intron variant (2).
Genome position (GRCh38, 1-based): chr13:51,958,346, T>C on the plus strand (A>G on the coding strand, the complement: ATP7B is on the minus strand). VCF-style: chr13-51958346-T-C. GRCh37 (hg19) VCF-style: chr13-52532482-T-C.
Other names: c.1987A>G, p.Ile663Val (NM_001243182.2); c.2068A>G, p.Ile690Val (NM_001330579.2); c.1870-739A>G (NM_001005918.3); c.2122-739A>G (NM_001330578.2); c.2320A>G (NM_000053.3); short protein forms I663V, I690V, I774V.
Identifiers: ClinVar variation 1481502 (VCV001481502.9), dbSNP rs778579276, ClinGen allele CA6989063.
Genomic context (GRCh38, chr13:51,958,346, plus strand): 5'-TTTCTGAACCTGAAGCTGCTGTTACCTTTGCCAAGTGTTCCAGCCACCGGCCCAGGGCAA[T>C]GAACACAAAGAGCATGGGGGGCGTGTCGAAGAATGTCACAGGGCTCCTCTCCGCCTTCTC-3'
Protein context (NP_000044.2, residues 764-784): FDTPPMLFVF[Ile774Val]ALGRWLEHLA

ClinVar aggregate classification (germline): Uncertain significance. Review status: criteria provided, multiple submitters, no conflicts (2 of 4 stars). 4 submissions from 4 submitters: Uncertain significance (4). Last evaluated 2026-07-21.

Conditions:
ATP7B-related disorder. Also called: ATP7B-related condition.
Wilson disease (WND). Also called: Wilson's disease. Identifiers: Orphanet 905, MedGen C0019202, MONDO:0010200, OMIM 277900. Disease mechanism: loss of function.

Allele frequency attached by ClinVar (database versions not stated): gnomAD 0.00001; gnomAD exomes 0.00002 and 0.00006; TOPMed 0.00005; ExAC 0.00006.
gnomAD v4.1: 14 of 1,614,020 alleles (0.00087%); highest among the groups gnomAD compares: Admixed American, 0.022%; no homozygotes.

Submissions (4):

PreventionGenetics, part of Exact Sciences
Classification: Uncertain significance for ATP7B-related condition. Last evaluated: 2026-07-21. Review status: criteria provided, single submitter. Criteria: ACMG Guidelines, 2015. Collection method: clinical testing. Allele origin: germline.
Comment: The ATP7B c.2320A>G variant is predicted to result in the amino acid substitution p.Ile774Val. To our knowledge, this variant has not been reported in the literature. This variant is reported in 0.038% of alleles in individuals of Latino descent in gnomAD. At this time, the clinical significance of this variant is uncertain due to the absence of conclusive functional and genetic evidence.

Fulgent Genetics
Classification: Uncertain significance for Wilson disease. Last evaluated: 2024-05-02. Review status: criteria provided, single submitter. Criteria: ACMG Guidelines, 2015. Collection method: clinical testing. Allele origin: germline.

Color Diagnostics, LLC DBA Color Health
Classification: Uncertain significance for Wilson disease. Last evaluated: 2022-11-07. Review status: criteria provided, single submitter. Criteria: ACMG Guidelines, 2015. Collection method: clinical testing. Allele origin: germline.
Comment: This missense variant replaces isoleucine with valine at codon 774 of the ATP7B protein. Computational prediction is inconclusive regarding the impact of this variant on protein structure and function. To our knowledge, functional studies have not been reported for this variant. This variant has not been reported in individuals affected with ATP7B-related disorders in the literature. This variant has been identified in 14/249528 chromosomes in the general population by the Genome Aggregation Database (gnomAD). The available evidence is insufficient to determine the role of this variant in disease conclusively. Therefore, this variant is classified as a Variant of Uncertain Significance.

Labcorp Genetics (formerly Invitae), Labcorp
Classification: Uncertain significance for Wilson disease. Last evaluated: 2021-08-31. Review status: criteria provided, single submitter. Criteria: Invitae Variant Classification Sherloc (09022015). Collection method: clinical testing. Allele origin: germline.
Comment: This sequence change replaces isoleucine with valine at codon 774 of the ATP7B protein (p.Ile774Val). The isoleucine residue is highly conserved and there is a small physicochemical difference between isoleucine and valine. This variant is present in population databases (rs778579276, ExAC 0.05%). This variant has not been reported in the literature in individuals affected with ATP7B-related conditions. Algorithms developed to predict the effect of missense changes on protein structure and function (SIFT, PolyPhen-2, Align-GVGD) all suggest that this variant is likely to be disruptive. In summary, the available evidence is currently insufficient to determine the role of this variant in disease. Therefore, it has been classified as a Variant of Uncertain Significance.